The following is an entry in ClinVar:

GRCh37/hg19 Xp22.33-22.31(chrX:2051958-8135053)x1

Genes: ARSH (arylsulfatase family member H; plus strand), ARSL (arylsulfatase L; minus strand), VCX (variable charge X-linked; plus strand), ARSD (arylsulfatase D; minus strand), GYG2 (glycogenin 2; plus strand) and 10 more. Cytogenetic location: Xp22.33-22.31.
Variant type: copy number loss.
Change: copy number 1 of chrX:2,051,958-8,135,053 (6.08 Mb, GRCh37 coordinates, 1-based), cytogenetic band Xp22.33-22.31.
Identifiers: ClinVar variation 564742 (VCV000564742.2).

ClinVar aggregate classification (germline): Pathogenic (1 of 4 stars; one submission).

Submission:

Quest Diagnostics Nichols Institute San Juan Capistrano
Classification: Pathogenic. Last evaluated: 2026-06-05. Review status: criteria provided, single submitter. Criteria: ACMG/ClinGen CNV Guidelines, 2019. Collection method: clinical testing. Allele origin: unknown.
Comment: This copy number loss involves at least 17 protein-coding genes, including STS (OMIM 300747), and ARSL (OMIM 300180). The interval fully encompasses the Xp22.31 recurrent region (including STS), deletions of which in males are associated with X-linked ichthyosis (XLI; OMIM 308100, ISCA-37417, CCID:007950; Brcic 2020, Crane 2024, Dantsev 2025, Gubb 2020, Kent 2008, Myers 2020, Wren 2022, Wu 2023, Qi 2026). Female carriers typically show no clinical signs of XLI, although they may present with corneal opacities and have an increased risk for the associated neurodevelopmental phenotypes seen in affected males (Cavenagh 2019). Hemizygous missense, nonsense, frameshift, in-frame, and splicing variants, as well as whole and partial gene deletions, of ARSL have been reported in association with X-linked recessive chondrodysplasia punctata (CDPX1; OMIM 302950, CCID:004180, CCID:006694; Braverman 2020). Thus, based on current medical literature and gene content, this copy number variant (CNV) is classified as pathogenic; however, presentation in females is likely dependent upon X-inactivation patterns.

Literature cited by the submitters: PubMed 20301713; PubMed 32139392; PubMed 30768640; PubMed 28846233; PubMed 40688208; PubMed 32766777; PubMed 18413370; PubMed 32299744; PubMed 36479267; PubMed 37347056; PubMed 41924734.